The following is an entry in ClinVar:

NM_001367493.1(ARHGEF4):c.5617C>T (p.Pro1873Ser)

Gene: ARHGEF4 (Rho guanine nucleotide exchange factor 4; plus strand). Cytogenetic location: 2q21.1.
Variant type: single nucleotide variant.
Coding change: c.5617C>T on transcript NM_001367493.1 (MANE Select); coding-DNA position 5617, C replaced by T.
Protein change: p.Pro1873Ser; replaces proline 1873 with serine.
Molecular consequence: missense variant.
Genome position (GRCh38, 1-based): chr2:131,046,175, C>T. VCF-style: chr2-131046175-C-T. GRCh37 (hg19) VCF-style: chr2-131803748-C-T.
Other names: c.2104C>T, p.Pro702Ser (NM_001375900.1); c.1948C>T, p.Pro650Ser (NM_001375901.1); c.1906C>T, p.Pro636Ser (NM_001375902.1); c.1849C>T, p.Pro617Ser (NM_001375903.1); c.1690C>T, p.Pro564Ser (NM_001375904.1); c.1438C>T, p.Pro480Ser (NM_001395416.1); c.2059C>T, p.Pro687Ser (NM_015320.4); short protein forms P1873S, P480S, P564S, P617S, P636S, P650S, P687S, P702S.
Identifiers: ClinVar variation 3040261 (VCV003040261.2), dbSNP rs202134743, ClinGen allele CA1875540.

ClinVar aggregate classification (germline): Benign (0 of 4 stars; one submission).

Conditions:
ARHGEF4-related disorder. Also called: ARHGEF4-related condition.

Allele frequency attached by ClinVar (database versions not stated): gnomAD 0.00019; TOPMed 0.00023; 1000 Genomes Project 30x 0.00047; 1000 Genomes Project 0.00060.
gnomAD v4.1: 213 of 1,612,112 alleles (0.013%); highest among the groups gnomAD compares: East Asian, 0.23%; 3 homozygotes.

Submission:

PreventionGenetics, part of Exact Sciences
Classification: Benign for ARHGEF4-related condition. Last evaluated: 2019-03-13. Review status: no assertion criteria provided. Collection method: clinical testing. Allele origin: germline.
Comment: This variant is classified as benign based on ACMG/AMP sequence variant interpretation guidelines (Richards et al. 2015 PMID: 25741868, with internal and published modifications).